The following is an entry in ClinVar:

ClinVar aggregate classification (germline): Uncertain significance. Review status: criteria provided, multiple submitters, no conflicts (2 of 4 stars). 2 submissions from 2 submitters: Uncertain significance (2). Last evaluated 2021-04-27.

Conditions:
Smith-McCort dysplasia 2 (SMC2). Identifiers: MedGen C3714896, MONDO:0014087, OMIM 615222.

Allele frequency attached by ClinVar (database versions not stated): gnomAD exomes below 0.00001.
gnomAD v4.1: 1 of 1,613,580 alleles (0.000062%); highest among the groups gnomAD compares: African/African-American, 0.0013%; no homozygotes.

Submissions (2):

Labcorp Genetics (formerly Invitae), Labcorp
Classification: Uncertain significance. Last evaluated: 2021-04-27. Review status: criteria provided, single submitter. Criteria: Invitae Variant Classification Sherloc (09022015). Collection method: clinical testing. Allele origin: germline.
Comment: Algorithms developed to predict the effect of missense changes on protein structure and function are either unavailable or do not agree on the potential impact of this missense change (SIFT: "Not Available"; PolyPhen-2: "Possibly Damaging"; Align-GVGD: "Not Available"). In summary, the available evidence is currently insufficient to determine the role of this variant in disease. Therefore, it has been classified as a Variant of Uncertain Significance. This variant has been observed in individual(s) with clinical features of Smith-McCort dysplasia (Invitae). This sequence change replaces threonine with alanine at codon 65 of the RAB33B protein (p.Thr65Ala). The threonine residue is highly conserved and there is a small physicochemical difference between threonine and alanine. This variant is not present in population databases (ExAC no frequency).

Revvity Omics, Revvity
Classification: Uncertain significance for Smith-McCort dysplasia 2. Last evaluated: 2019-07-11. Review status: criteria provided, single submitter. Criteria: ACMG Guidelines, 2015. Collection method: clinical testing. Allele origin: germline.

NM_031296.3(RAB33B):c.193A>G (p.Thr65Ala)

Genes: RAB33B (RAB33B, member RAS oncogene family; plus strand), LOC129993110 (ATAC-STARR-seq lymphoblastoid active region 21925; plus strand). Cytogenetic location: 4q31.1.
Variant type: single nucleotide variant.
Coding change: c.193A>G on transcript NM_031296.3 (MANE Select); coding-DNA position 193, A replaced by G.
Protein change: p.Thr65Ala; replaces threonine 65 with alanine.
Molecular consequence: missense variant.
Genome position (GRCh38, 1-based): chr4:139,454,388, A>G. VCF-style: chr4-139454388-A-G. GRCh37 (hg19) VCF-style: chr4-140375542-A-G.
Other names: c.193A>G (NM_031296.1); short protein forms T65A.
Identifiers: ClinVar variation 1384265 (VCV001384265.9), dbSNP rs2111067573, ClinGen allele CA358271887.
Genomic context (GRCh38, chr4:139,454,388, plus strand): 5'-GGCAAGACATGCCTGACCTACCGCTTCTGCGCTGGCCGCTTCCCCGACCGCACCGAGGCC[A>G]CGATAGGGGTGGATTTCCGAGAACGAGCGGTGGAGATTGATGGGGAGCGCATCAAGGTGA-3'
Protein context (NP_112586.1, residues 55-75): AGRFPDRTEA[Thr65Ala]IGVDFRERAV